The following is an entry in ClinVar:

NM_000051.4(ATM):c.2989G>T (p.Val997Leu)

Gene: ATM (ATM serine/threonine kinase; plus strand). Cytogenetic location: 11q22.3.
Variant type: single nucleotide variant.
Coding change: c.2989G>T on transcript NM_000051.4 (MANE Select); coding-DNA position 2989, G replaced by T.
Protein change: p.Val997Leu; replaces valine 997 with leucine.
Molecular consequence: missense variant.
Genome position (GRCh38, 1-based): chr11:108,271,318, G>T. VCF-style: chr11-108271318-G-T. GRCh37 (hg19) VCF-style: chr11-108142045-G-T.
Other names: c.2989G>T, p.Val997Leu (NM_001351834.2); short protein forms V997L.
Identifiers: ClinVar variation 3906460 (VCV003906460.2).

ClinVar aggregate classification (germline): Uncertain significance. Review status: criteria provided, multiple submitters, no conflicts (2 of 4 stars). 2 submissions from 2 submitters: Uncertain significance (2). Last evaluated 2025-06-08.

Conditions:
Ataxia-telangiectasia syndrome (AT). Also called: Ataxia-telangiectasia; LOUIS-BAR SYNDROME; Cerebello-oculocutaneous telangiectasia; Immunodeficiency with ataxia telangiectasia; AT, COMPLEMENTATION GROUP C; Ataxia-telangiectasia, complementation group D. Identifiers: Orphanet 100, MedGen C0004135, MONDO:0008840, OMIM 208900.

Submissions (2):

Labcorp Genetics (formerly Invitae), Labcorp
Classification: Uncertain significance for Ataxia-telangiectasia syndrome. Last evaluated: 2025-06-08. Review status: criteria provided, single submitter. Criteria: Invitae Variant Classification Sherloc (09022015). Collection method: clinical testing. Allele origin: germline.
Comment: This sequence change replaces valine, which is neutral and non-polar, with leucine, which is neutral and non-polar, at codon 997 of the ATM protein (p.Val997Leu). This variant is not present in population databases (gnomAD no frequency). This variant has not been reported in the literature in individuals affected with ATM-related conditions. Invitae Evidence Modeling of protein sequence and biophysical properties (such as structural, functional, and spatial information, amino acid conservation, physicochemical variation, residue mobility, and thermodynamic stability) indicates that this missense variant is not expected to disrupt ATM protein function with a negative predictive value of 95%. In summary, the available evidence is currently insufficient to determine the role of this variant in disease. Therefore, it has been classified as a Variant of Uncertain Significance.

GeneDx
Classification: Uncertain significance. Last evaluated: 2024-12-19. Review status: criteria provided, single submitter. Criteria: GeneDx Variant Classification Process June 2021. Collection method: clinical testing. Allele origin: germline. Affected: yes.
Comment: Not observed at significant frequency in large population cohorts (gnomAD); In silico analysis indicates that this missense variant does not alter protein structure/function; Has not been previously published as pathogenic or benign to our knowledge; In silico analysis suggests this variant may impact gene splicing. In the absence of RNA/functional studies, the actual effect of this sequence change is unknown.; This variant is associated with the following publications: (PMID: 19781682)